The following is an entry in ClinVar:

ClinVar aggregate classification (germline): Uncertain significance (1 of 4 stars; one submission).

Conditions:
Aspartylglucosaminuria (AGU). Also called: AGA DEFICIENCY; GLYCOASPARAGINASE; GLYCOSYLASPARAGINASE DEFICIENCY; Aspartylglucos-aminuria; Aspartylglucos-amidase (AGA) deficiency. Identifiers: Orphanet 93, MedGen C0268225, MONDO:0008830, OMIM 208400, HP:0012068.

Submission:

Labcorp Genetics (formerly Invitae), Labcorp
Classification: Uncertain significance for Aspartylglucosaminuria. Last evaluated: 2022-04-19. Review status: criteria provided, single submitter. Criteria: Invitae Variant Classification Sherloc (09022015). Collection method: clinical testing. Allele origin: germline.
Comment: In summary, the available evidence is currently insufficient to determine the role of this variant in disease. Therefore, it has been classified as a Variant of Uncertain Significance. This variant has not been reported in the literature in individuals affected with AGA-related conditions. Information on the frequency of this variant in the gnomAD database is not available, as this variant may be reported differently in the database. This sequence change falls in intron 2 of the AGA gene. It does not directly change the encoded amino acid sequence of the AGA protein.

NM_000027.4(AGA):c.281+12_281+13delinsAG

Gene: AGA (aspartylglucosaminidase; minus strand). Cytogenetic location: 4q34.3.
Variant type: Indel.
Coding change: c.281+12_281+13delinsAG on transcript NM_000027.4 (MANE Select); bases 12 to 13 of the intron after coding-DNA position 281, GT replaced by AG.
Molecular consequence: intron variant.
Genome position (GRCh38, 1-based): chr4:177,440,260-177,440,261, AC replaced by CT on the plus strand (GT replaced by AG on the coding strand, the reverse complement: AGA is on the minus strand). VCF-style: chr4-177440260-AC-CT. GRCh37 (hg19) VCF-style: chr4-178361414-AC-CT.
Other names: c.281+12_281+13delinsAG (NM_001171988.2).
Identifiers: ClinVar variation 1979348 (VCV001979348.4), dbSNP rs2476873986, ClinGen allele CA2580071739.